The following is an entry in ClinVar:

ClinVar aggregate classification (germline): Pathogenic/Likely pathogenic. Review status: criteria provided, multiple submitters, no conflicts (2 of 4 stars). 3 submissions from 3 submitters: Pathogenic (2); Likely pathogenic (1). Last evaluated 2025-03-13.

Conditions:
Primary ciliary dyskinesia. Also called: Ciliary dyskinesia. Identifiers: Orphanet 244, MedGen C0008780, MONDO:0016575, HP:0012265.
Primary ciliary dyskinesia 3. Identifiers: Orphanet 244, MedGen C1837618, MONDO:0012085, OMIM 608644.

Submissions (3):

Natera, Inc.
Classification: Pathogenic for Primary ciliary dyskinesia. Last evaluated: 2025-03-13. Review status: criteria provided, single submitter. Criteria: Natera Variant Classification Schema (03/2026). Collection method: clinical testing. Allele origin: germline.
Comment: The c.11658_11668del variant in DNAH5 is a frameshift variant predicted to shift the reading frame beginning at codon 3887 and leads to a stop codon 14 codons downstream. This variant is expected to result in nonsense mediated decay, truncation, or a dysfunctional protein product. This variant is rare in the general population with a frequency below the threshold expected for the associated phenotype(s). This variant has been observed in one or more individuals affected with the associated recessive disease, as either homozygous or compound heterozygous with a second variant (PMID: 38562900). Given the available evidence, this variant is classified as Pathogenic.

Labcorp Genetics (formerly Invitae), Labcorp
Classification: Pathogenic for Primary ciliary dyskinesia. Last evaluated: 2024-10-11. Review status: criteria provided, single submitter. Criteria: Invitae Variant Classification Sherloc (09022015). Collection method: clinical testing. Allele origin: germline.
Comment: This sequence change creates a premature translational stop signal (p.Leu3887Alafs*14) in the DNAH5 gene. It is expected to result in an absent or disrupted protein product. Loss-of-function variants in DNAH5 are known to be pathogenic (PMID: 11788826, 16627867). This variant is not present in population databases (gnomAD no frequency). This variant has not been reported in the literature in individuals affected with DNAH5-related conditions. ClinVar contains an entry for this variant (Variation ID: 1371439). For these reasons, this variant has been classified as Pathogenic.

Fulgent Genetics
Classification: Likely pathogenic for Primary ciliary dyskinesia 3. Last evaluated: 2024-05-06. Review status: criteria provided, single submitter. Criteria: ACMG Guidelines, 2015. Collection method: clinical testing. Allele origin: germline.

Literature cited by the submitters: PubMed 38562900 (cited by Natera, Inc.); PubMed 11788826 (cited by Labcorp Genetics (formerly Invitae), Labcorp); PubMed 16627867 (cited by Labcorp Genetics (formerly Invitae), Labcorp).

NM_001369.3(DNAH5):c.11658_11668del (p.Leu3887fs)

Gene: DNAH5 (dynein axonemal heavy chain 5; minus strand). Cytogenetic location: 5p15.2.
Variant type: Deletion.
Coding change: c.11658_11668del on transcript NM_001369.3 (MANE Select); coding-DNA positions 11658 to 11668, 11 bases deleted (GCTGTACGAGG).
Protein change: p.Leu3887fs; shifts the reading frame from leucine 3887.
Molecular consequence: frameshift variant.
Genome position (GRCh38, 1-based): chr5:13,735,224-13,735,234, CCTCGTACAGC deleted on the plus strand (GCTGTACGAGG on the coding strand, the reverse complement: DNAH5 is on the minus strand); deleting any 11 consecutive bases within chr5:13,735,224-13,735,239 gives the same sequence; the c. name uses the placement nearest the transcript's 3' end. VCF-style (leftmost placement, unchanged base first): chr5-13735223-TCCTCGTACAGC-T. GRCh37 (hg19) VCF-style: chr5-13735332-TCCTCGTACAGC-T.
Other names: c.11658_11668del (NM_001369.2); short protein forms L3887fs.
Identifiers: ClinVar variation 1371439 (VCV001371439.9), dbSNP rs2126607061, ClinGen allele CA2573138433.